The following is an entry in ClinVar:

NM_194454.3(KRIT1):c.539C>A (p.Pro180His)

Gene: KRIT1 (KRIT1 ankyrin repeat containing; minus strand). Cytogenetic location: 7q21.2.
Variant type: single nucleotide variant.
Coding change: c.539C>A on transcript NM_194454.3 (MANE Select); coding-DNA position 539, C replaced by A.
Protein change: p.Pro180His; replaces proline 180 with histidine.
Molecular consequence: missense variant. On other transcripts: 5 prime UTR variant (1).
Genome position (GRCh38, 1-based): chr7:92,235,593, G>T on the plus strand (C>A on the coding strand, the complement: KRIT1 is on the minus strand). VCF-style: chr7-92235593-G-T. GRCh37 (hg19) VCF-style: chr7-91864907-G-T.
Other names: c.539C>A, p.Pro180His (NM_001350669.1, NM_001350670.1, NM_001013406.2 and 29 more transcripts); c.-45C>A (NM_001350671.1); short protein forms P180H.
Identifiers: ClinVar variation 1722783 (VCV001722783.2), dbSNP rs1315889129, ClinGen allele CA368161252.

ClinVar aggregate classification (germline): Uncertain significance (1 of 4 stars; one submission).

Allele frequency attached by ClinVar (database versions not stated): gnomAD exomes below 0.00001.
gnomAD v4.1: 3 of 1,613,810 alleles (0.00019%); highest among the groups gnomAD compares: Non-Finnish European, 0.00025%; no homozygotes.

Submission:

GeneDx
Classification: Uncertain significance. Last evaluated: 2022-04-30. Review status: criteria provided, single submitter. Criteria: GeneDx Variant Classification Process June 2021. Collection method: clinical testing. Allele origin: germline. Affected: yes.
Comment: Not observed at significant frequency in large population cohorts (gnomAD); In silico analysis supports that this missense variant has a deleterious effect on protein structure/function; Has not been previously published as pathogenic or benign to our knowledge